The following is an entry in ClinVar:

NM_015192.4(PLCB1):c.456G>A (p.Leu152=)

Gene: PLCB1 (phospholipase C beta 1; plus strand). Cytogenetic location: 20p12.3.
Variant type: single nucleotide variant.
Coding change: c.456G>A on transcript NM_015192.4 (MANE Select); coding-DNA position 456, G replaced by A.
Protein change: p.Leu152=; no amino-acid change (leucine 152 retained).
Molecular consequence: synonymous variant.
Genome position (GRCh38, 1-based): chr20:8,646,173, G>A. VCF-style: chr20-8646173-G-A. GRCh37 (hg19) VCF-style: chr20-8626820-G-A.
Other names: c.456G>A, p.Leu152= (NM_182734.3).
Identifiers: ClinVar variation 339496 (VCV000339496.16), dbSNP rs200598979, ClinGen allele CA9759681.

ClinVar aggregate classification (germline): Conflicting classifications of pathogenicity. Review status: criteria provided, conflicting classifications (1 of 4 stars). 3 submissions from 3 submitters: Uncertain significance (1); Likely benign (1). 1 of the submissions does not count toward it. Last evaluated 2025-02-06.

Conditions:
PLCB1-related disorder. Also called: PLCB1-related condition.
Developmental and epileptic encephalopathy, 12 (DEE12). Identifiers: MedGen C3150988, MONDO:0013389, OMIM 613722.

Allele frequency attached by ClinVar (database versions not stated): gnomAD 0.00001 and 0.00005; TOPMed 0.00003; gnomAD exomes 0.00011 and 0.00013; 1000 Genomes Project 30x 0.00016; ExAC 0.00017; 1000 Genomes Project 0.00020.
gnomAD v4.1: 167 of 1,610,040 alleles (0.01%); highest among the groups gnomAD compares: East Asian, 0.36%; 1 homozygote.

Submissions (3):

Labcorp Genetics (formerly Invitae), Labcorp
Classification: Likely benign for Developmental and epileptic encephalopathy, 12. Last evaluated: 2025-02-06. Review status: criteria provided, single submitter. Criteria: Invitae Variant Classification Sherloc (09022015). Collection method: clinical testing. Allele origin: germline.

Illumina Laboratory Services, Illumina
Classification: Uncertain significance for Developmental and epileptic encephalopathy, 12. Last evaluated: 2018-01-13. Review status: criteria provided, single submitter. Criteria: ICSL Variant Classification Criteria 13 December 2019. Collection method: clinical testing. Allele origin: germline.

PreventionGenetics, part of Exact Sciences
Classification: Likely benign for PLCB1-related condition. Last evaluated: 2022-03-31. Review status: no assertion criteria provided. Collection method: clinical testing. Allele origin: germline. Not counted in ClinVar's aggregate classification.
Comment: This variant is classified as likely benign based on ACMG/AMP sequence variant interpretation guidelines (Richards et al. 2015 PMID: 25741868, with internal and published modifications).